The following is an entry in ClinVar:

ClinVar aggregate classification (germline): Uncertain significance (1 of 4 stars; one submission).

Conditions:
Hypertrophic cardiomyopathy. Also called: HYPERTROPHIC MYOCARDIOPATHY. Identifiers: Orphanet 217569, MedGen C0007194, MeSH D002312, MONDO:0005045, HP:0001639.

Submission:

Labcorp Genetics (formerly Invitae), Labcorp
Classification: Uncertain significance for Hypertrophic cardiomyopathy. Last evaluated: 2025-08-17. Review status: criteria provided, single submitter. Criteria: Invitae Variant Classification Sherloc (09022015). Collection method: clinical testing. Allele origin: germline.
Comment: This sequence change falls in intron 1 of the TPM1 gene. It does not directly change the encoded amino acid sequence of the TPM1 protein. This variant is not present in population databases (gnomAD no frequency). This variant has not been reported in the literature in individuals affected with TPM1-related conditions. ClinVar contains an entry for this variant (Variation ID: 2841824). Algorithms developed to predict the effect of sequence changes on RNA splicing suggest that this variant may disrupt the consensus splice site. In summary, the available evidence is currently insufficient to determine the role of this variant in disease. Therefore, it has been classified as a Variant of Uncertain Significance.

NM_001018005.2(TPM1):c.115-7C>G

Gene: TPM1 (tropomyosin 1; plus strand). Cytogenetic location: 15q22.2.
Variant type: single nucleotide variant.
Coding change: c.115-7C>G on transcript NM_001018005.2 (MANE Select); 7 bases into the intron before coding-DNA position 115, C replaced by G.
Molecular consequence: intron variant. On other transcripts: non-coding transcript variant (2).
Genome position (GRCh38, 1-based): chr15:63,044,020, C>G. VCF-style: chr15-63044020-C-G. GRCh37 (hg19) VCF-style: chr15-63336219-C-G.
Other names: c.241-7C>G (NM_001365778.1, NM_001407323.1, NM_001407322.1 and 1 more transcripts); c.240+189C>G (NM_001407336.1, NM_001018020.2, NM_001407338.1 and 7 more transcripts); c.115-7C>G (NM_001407326.1, NM_001407337.1, NM_001018006.2 and 10 more transcripts).
Identifiers: ClinVar variation 2841824 (VCV002841824.3), dbSNP rs1566937651, ClinGen allele CA2739265824.
Genomic context (GRCh38, chr15:63,044,020, plus strand): 5'-CTCCCCTTCGGGATCACGCTGCCTGCTGCACCCCCCTCCCTCCCTGTACCCCCTGGCCAA[C>G]TCCCAGCTGGAAGATGAGCTGGTGTCACTGCAAAAGAAACTCAAGGGCACCGAAGATGAA-3'